The following is an entry in ClinVar:

NM_144997.7(FLCN):c.73C>G (p.Leu25Val)

Gene: FLCN (folliculin; minus strand). Cytogenetic location: 17p11.2.
Variant type: single nucleotide variant.
Coding change: c.73C>G on transcript NM_144997.7 (MANE Select); coding-DNA position 73, C replaced by G.
Protein change: p.Leu25Val; replaces leucine 25 with valine.
Molecular consequence: missense variant.
Genome position (GRCh38, 1-based): chr17:17,228,065, G>C on the plus strand (C>G on the coding strand, the complement: FLCN is on the minus strand). VCF-style: chr17-17228065-G-C. GRCh37 (hg19) VCF-style: chr17-17131379-G-C.
Other names: c.73C>G, p.Leu25Val (NM_001353229.2, NM_001353230.2, NM_001353231.2 and 1 more transcripts); short protein forms L25V.
Identifiers: ClinVar variation 1695827 (VCV001695827.5), dbSNP rs967684437, ClinGen allele CA288320798.

ClinVar aggregate classification (germline): Uncertain significance. Review status: criteria provided, multiple submitters, no conflicts (2 of 4 stars). 3 submissions from 3 submitters: Uncertain significance (3). Last evaluated 2024-12-08.

Conditions:
Birt-Hogg-Dube syndrome. Also called: Birt Hogg Dubé syndrome. Identifiers: Orphanet 122, MedGen C0346010, MONDO:0800444.
Hereditary cancer-predisposing syndrome. Also called: Neoplastic Syndromes, Hereditary; Hereditary Cancer Syndrome; Tumor predisposition; Hereditary neoplastic syndrome. Identifiers: Orphanet 140162, MedGen C0027672, MeSH D009386, MONDO:0015356.

Allele frequency attached by ClinVar (database versions not stated): gnomAD 0.00003.
gnomAD v4.1: 4 of 1,613,610 alleles (0.00025%); highest among the groups gnomAD compares: Admixed American, 0.0067%; no homozygotes.

Submissions (3):

Labcorp Genetics (formerly Invitae), Labcorp
Classification: Uncertain significance for Birt-Hogg-Dube syndrome. Last evaluated: 2024-12-08. Review status: criteria provided, single submitter. Criteria: Invitae Variant Classification Sherloc (09022015). Collection method: clinical testing. Allele origin: germline.
Comment: This sequence change replaces leucine, which is neutral and non-polar, with valine, which is neutral and non-polar, at codon 25 of the FLCN protein (p.Leu25Val). This variant is not present in population databases (gnomAD no frequency). This variant has not been reported in the literature in individuals affected with FLCN-related conditions. ClinVar contains an entry for this variant (Variation ID: 1695827). Invitae Evidence Modeling of protein sequence and biophysical properties (such as structural, functional, and spatial information, amino acid conservation, physicochemical variation, residue mobility, and thermodynamic stability) indicates that this missense variant is not expected to disrupt FLCN protein function with a negative predictive value of 80%. In summary, the available evidence is currently insufficient to determine the role of this variant in disease. Therefore, it has been classified as a Variant of Uncertain Significance.

Ambry Genetics
Classification: Uncertain significance for Hereditary cancer-predisposing syndrome. Last evaluated: 2024-11-18. Review status: criteria provided, single submitter. Criteria: Ambry Variant Classification Scheme 2023. Collection method: clinical testing. Allele origin: germline.
Comment: The p.L25V variant (also known as c.73C>G), located in coding exon 1 of the FLCN gene, results from a C to G substitution at nucleotide position 73. The leucine at codon 25 is replaced by valine, an amino acid with highly similar properties. This amino acid position is conserved. In addition, the in silico prediction for this alteration is inconclusive. Based on the available evidence, the clinical significance of this variant remains unclear.

GeneDx
Classification: Uncertain significance. Last evaluated: 2022-01-10. Review status: criteria provided, single submitter. Criteria: GeneDx Variant Classification Process June 2021. Collection method: clinical testing. Allele origin: germline. Affected: yes.
Comment: Not observed at significant frequency in large population cohorts (gnomAD); In silico analysis supports that this missense variant does not alter protein structure/function; Has not been previously published as pathogenic or benign to our knowledge